The following is an entry in ClinVar:

NM_031310.3(PLVAP):c.619C>A (p.Gln207Lys)

Gene: PLVAP (plasmalemma vesicle associated protein; minus strand). Cytogenetic location: 19p13.11.
Variant type: single nucleotide variant.
Coding change: c.619C>A on transcript NM_031310.3 (MANE Select); coding-DNA position 619, C replaced by A.
Protein change: p.Gln207Lys; replaces glutamine 207 with lysine.
Molecular consequence: missense variant.
Genome position (GRCh38, 1-based): chr19:17,365,846, G>T on the plus strand (C>A on the coding strand, the complement: PLVAP is on the minus strand). VCF-style: chr19-17365846-G-T. GRCh37 (hg19) VCF-style: chr19-17476655-G-T.
Other names: short protein forms Q207K.
Identifiers: ClinVar variation 3702181 (VCV003702181.1).

ClinVar aggregate classification (germline): Uncertain significance (1 of 4 stars; one submission).

Submission:

Labcorp Genetics (formerly Invitae), Labcorp
Classification: Uncertain significance. Last evaluated: 2024-08-10. Review status: criteria provided, single submitter. Criteria: Invitae Variant Classification Sherloc (09022015). Collection method: clinical testing. Allele origin: germline.
Comment: This sequence change replaces glutamine, which is neutral and polar, with lysine, which is basic and polar, at codon 207 of the PLVAP protein (p.Gln207Lys). This variant is not present in population databases (gnomAD no frequency). This variant has not been reported in the literature in individuals affected with PLVAP-related conditions. Advanced modeling of protein sequence and biophysical properties (such as structural, functional, and spatial information, amino acid conservation, physicochemical variation, residue mobility, and thermodynamic stability) has been performed at Invitae for this missense variant, however the output from this modeling did not meet the statistical confidence thresholds required to predict the impact of this variant on PLVAP protein function. In summary, the available evidence is currently insufficient to determine the role of this variant in disease. Therefore, it has been classified as a Variant of Uncertain Significance.